The following is an entry in ClinVar:

NM_001377540.1(SLMAP):c.2361G>T (p.Met787Ile)

Gene: SLMAP (sarcolemma associated protein; plus strand). Cytogenetic location: 3p14.3.
Variant type: single nucleotide variant.
Coding change: c.2361G>T on transcript NM_001377540.1 (MANE Select); coding-DNA position 2361, G replaced by T.
Protein change: p.Met787Ile; replaces methionine 787 with isoleucine.
Molecular consequence: missense variant. On other transcripts: non-coding transcript variant (1).
Genome position (GRCh38, 1-based): chr3:57,922,939, G>T. VCF-style: chr3-57922939-G-T. GRCh37 (hg19) VCF-style: chr3-57908666-G-T.
Other names: c.2310G>T, p.Met770Ile (NM_001304420.3, NM_001377541.1, NM_001377542.1); c.2196G>T, p.Met732Ile (NM_001304421.2, NM_001377557.1, NM_001377559.1); c.912G>T, p.Met304Ile (NM_001304422.3, NM_001311178.2); c.714G>T, p.Met238Ile (NM_001304423.3); c.2382G>T, p.Met794Ile (NM_001377538.1); c.2187G>T, p.Met729Ile (NM_001377562.1, NM_001377921.1); c.2175G>T, p.Met725Ile (NM_001377922.1); c.2136G>T, p.Met712Ile (NM_001377923.1); and 8 more; short protein forms M749I, M770I, M787I, M238I, M708I, M725I, M753I, M794I.
Identifiers: ClinVar variation 2909148 (VCV002909148.3), dbSNP rs1426232667, ClinGen allele CA353410692.
Genomic context (GRCh38, chr3:57,922,939, plus strand): 5'-TTGCCTTTAGTATGAAAAGACACAGACTGTACTCTCAGAACTGAAGTTGAAGTTTGAAAT[G>T]ACTGAGCAGGAAAAGCAGTCAATCACAGATGAGCTCAAACAGTGTAAAAACAACCTGAAG-3'
Protein context (NP_001364469.1, residues 777-797): VLSELKLKFE[Met787Ile]TEQEKQSITD

ClinVar aggregate classification (germline): Uncertain significance (1 of 4 stars; one submission).

Conditions:
Brugada syndrome. Also called: Sudden unexpected nocturnal death syndrome; Sudden unexplained nocturnal death syndrome; Sudden Unexplained Death Syndrome; Sudden Unexplained Nocturnal Death Syndrome (SUNDS). Identifiers: Orphanet 130, MedGen C1142166, MONDO:0015263.

Allele frequency attached by ClinVar (database versions not stated): gnomAD exomes below 0.00001; gnomAD 0.00001; TOPMed 0.00001.
gnomAD v4.1: 3 of 1,613,560 alleles (0.00019%); highest among the groups gnomAD compares: Non-Finnish European, 0.00025%; no homozygotes.

Submission:

Labcorp Genetics (formerly Invitae), Labcorp
Classification: Uncertain significance for Brugada syndrome. Last evaluated: 2024-08-28. Review status: criteria provided, single submitter. Criteria: Invitae Variant Classification Sherloc (09022015). Collection method: clinical testing. Allele origin: germline.
Comment: This sequence change replaces methionine, which is neutral and non-polar, with isoleucine, which is neutral and non-polar, at codon 753 of the SLMAP protein (p.Met753Ile). This variant is not present in population databases (gnomAD no frequency). This variant has not been reported in the literature in individuals affected with SLMAP-related conditions. An algorithm developed to predict the effect of missense changes on protein structure and function (PolyPhen-2) suggests that this variant is likely to be tolerated. In summary, the available evidence is currently insufficient to determine the role of this variant in disease. Therefore, it has been classified as a Variant of Uncertain Significance.